The following is an entry in ClinVar:

ClinVar aggregate classification (germline): Uncertain significance. Review status: criteria provided, multiple submitters, no conflicts (2 of 4 stars). 2 submissions from 2 submitters: Uncertain significance (2). Last evaluated 2025-09-08.

Conditions:
Brain small vessel disease 2A, autosomal dominant. Also called: Porencephaly 2. Identifiers: Orphanet 2940, Orphanet 99810, MedGen C3280970, MONDO:0013773, OMIM 614483.
Hemorrhage, intracerebral, susceptibility to (ICH). Also called: Stroke, hemorrhagic, susceptibility to. Identifiers: MedGen C3281105, MONDO:0100533, OMIM 614519.
Brain small vessel disease 2B, autosomal recessive. Identifiers: MedGen C6065929, MONDO:0980747, OMIM 621414.

Submissions (2):

3billion
Classification: Uncertain significance for Brain small vessel disease 2A, autosomal dominant. Last evaluated: 2025-09-08. Review status: criteria provided, single submitter. Criteria: ACMG Guidelines, 2015. Collection method: clinical testing. Allele origin: germline. Affected: yes.
Comment: The variant is not observed in the gnomAD v4.1.0 dataset. Predicted Consequence/Location: Missense variant In silico tool predictions suggest damaging effect of the variant on gene or gene product [REVEL: 0.97 (>=0.6, sensitivity 0.68 and specificity 0.92); 3Cnet: 0.86 (> 0.75, sensitivity 0.96 and precision 0.92)]. Therefore, this variant is classified as VUS according to the recommendation of ACMG/AMP guideline.

Juno Genomics, Hangzhou Juno Genomics, Inc
Classification: Uncertain significance for Brain small vessel disease 2B, autosomal recessive; Brain small vessel disease 2A, autosomal dominant; Hemorrhage, intracerebral, susceptibility to. Review status: criteria provided, single submitter. Criteria: ACMG Guidelines, 2015. Collection method: clinical testing. Allele origin: germline.
Comment: Absent from controls (or at extremely low frequency if recessive) in Genome Aggregation Database.;Multiple lines of computational evidence support a deleterious effect on the gene or gene product.

NM_001846.4(COL4A2):c.3743G>A (p.Gly1248Glu)

Gene: COL4A2 (collagen type IV alpha 2 chain; plus strand). Cytogenetic location: 13q34.
Variant type: single nucleotide variant.
Coding change: c.3743G>A on transcript NM_001846.4 (MANE Select); coding-DNA position 3743, G replaced by A.
Protein change: p.Gly1248Glu; replaces glycine 1248 with glutamic acid.
Molecular consequence: missense variant.
Genome position (GRCh38, 1-based): chr13:110,495,450, G>A. VCF-style: chr13-110495450-G-A. GRCh37 (hg19) VCF-style: chr13-111147797-G-A.
Other names: short protein forms G1248E.
Identifiers: ClinVar variation 4854039 (VCV004854039.3).